The following is an entry in ClinVar:

ClinVar aggregate classification (germline): Conflicting classifications of pathogenicity. Review status: criteria provided, conflicting classifications (1 of 4 stars). 10 submissions from 10 submitters: Uncertain significance (8); Likely benign (2). Last evaluated 2026-08-05.

Conditions:
DNAH11-related disorder. Also called: DNAH11-related condition.
Primary ciliary dyskinesia 7. Also called: CILIARY DYSKINESIA, PRIMARY, 7, WITH OR WITHOUT SITUS INVERSUS. Identifiers: Orphanet 244, MedGen C2678473, MONDO:0012748, OMIM 611884.
Primary ciliary dyskinesia. Also called: Ciliary dyskinesia. Identifiers: Orphanet 244, MedGen C0008780, MONDO:0016575, HP:0012265.

Allele frequency attached by ClinVar (database versions not stated): gnomAD 0.00022; TOPMed 0.00075; ESP Exome Variant Server 0.00093.
gnomAD v4.1: 1,864 of 1,612,034 alleles (0.12%); highest among the groups gnomAD compares: Non-Finnish European, 0.14%; 3 homozygotes.

Submissions (10):

GeneDx
Classification: Uncertain significance. Last evaluated: 2026-08-05. Review status: criteria provided, single submitter. Criteria: GeneDx Variant Classification Process June 2021. Collection method: clinical testing. Allele origin: germline.
Comment: In silico analysis supports that this missense variant has a deleterious effect on protein structure/function; This variant is associated with the following publications: (PMID: 34556108)

Labcorp Genetics (formerly Invitae), Labcorp
Classification: Likely benign for Primary ciliary dyskinesia. Last evaluated: 2026-01-27. Review status: criteria provided, single submitter. Criteria: Invitae Variant Classification Sherloc (09022015). Collection method: clinical testing. Allele origin: germline.

Mayo Clinic Laboratories, Mayo Clinic
Classification: Uncertain significance. Last evaluated: 2025-08-20. Review status: criteria provided, single submitter. Criteria: ACMG Guidelines, 2015. Collection method: clinical testing. Allele origin: germline. Observed: 1 variant allele.

PreventionGenetics, part of Exact Sciences
Classification: Likely benign for DNAH11-related condition. Last evaluated: 2025-07-30. Review status: criteria provided, single submitter. Criteria: ACMG Guidelines, 2015. Collection method: clinical testing. Allele origin: germline.
Comment: This variant is classified as likely benign based on ACMG/AMP sequence variant interpretation guidelines (Richards et al. 2015 PMID: 25741868, with internal and published modifications).

Women's Health and Genetics/Laboratory Corporation of America, LabCorp
Classification: Uncertain significance. Last evaluated: 2025-07-09. Review status: criteria provided, single submitter. Criteria: LabCorp Variant Classification Summary - May 2015. Collection method: clinical testing. Allele origin: germline.
Comment: Variant summary: DNAH11 c.9783G>C (p.Glu3261Asp) results in a conservative amino acid change in the encoded protein sequence. Algorithms developed to predict the effect of missense changes on protein structure and function are either unavailable or do not agree on the potential impact of this missense change. The variant allele was found at a frequency of 0.00073 in 247462 control chromosomes (gnomAD). This frequency is not significantly higher than estimated for a pathogenic variant in DNAH11 causing Primary Ciliary Dyskinesia 7, allowing no conclusion about variant significance. c.9783G>C has been observed in one individual affected with Primary Ciliary Dyskinesia 7 (Wheway_2021). These data do not allow any conclusion about variant significance. To our knowledge, no experimental evidence demonstrating an impact on protein function has been reported. The following publication have been ascertained in the context of this evaluation (PMID: 34556108). ClinVar contains an entry for this variant (Variation ID: 238946). Based on the evidence outlined above, the variant was classified as uncertain significance.

CeGaT Center for Human Genetics Tuebingen
Classification: Uncertain significance. Last evaluated: 2025-04-01. Review status: criteria provided, single submitter. Criteria: CeGaT Center For Human Genetics Tuebingen Variant Classification Criteria Version 2. Collection method: clinical testing. Allele origin: germline. Affected: yes. Observed: 2 variant alleles.

Blueprint Genetics
Classification: Uncertain significance. Last evaluated: 2024-11-23. Review status: criteria provided, single submitter. Criteria: ACMG Guidelines, 2015. Collection method: clinical testing. Allele origin: germline.

Ambry Genetics
Classification: Uncertain significance for Primary ciliary dyskinesia. Last evaluated: 2019-07-11. Review status: criteria provided, single submitter. Criteria: Ambry Variant Classification Scheme 2023. Collection method: clinical testing. Allele origin: germline.
Comment: The p.E3261D variant (also known as c.9783G>C), located in coding exon 60 of the DNAH11 gene, results from a G to C substitution at nucleotide position 9783. The glutamic acid at codon 3261 is replaced by aspartic acid, an amino acid with highly similar properties. This amino acid position is highly conserved in available vertebrate species. In addition, this alteration is predicted to be tolerated by in silico analysis. Since supporting evidence is limited at this time, the clinical significance of this alteration remains unclear.

UNC Molecular Genetics  Laboratory, University of North Carolina at Chapel Hill
Classification: Uncertain significance for Primary ciliary dyskinesia. Last evaluated: 2019-05-08. Review status: criteria provided, single submitter. Criteria: ACMG Guidelines, 2015. Collection method: clinical testing. Allele origin: germline. Observed: 2 heterozygotes.

Fulgent Genetics
Classification: Uncertain significance for Primary ciliary dyskinesia 7. Last evaluated: 2018-10-31. Review status: criteria provided, single submitter. Criteria: ACMG Guidelines, 2015. Collection method: clinical testing. Allele origin: unknown.

Literature cited by the submitters: PubMed 34556108 (cited by Mayo Clinic Laboratories, Mayo Clinic and Women's Health and Genetics/Laboratory Corporation of America, LabCorp).

NM_001277115.2(DNAH11):c.9783G>C (p.Glu3261Asp)

Gene: DNAH11 (dynein axonemal heavy chain 11; plus strand). Cytogenetic location: 7p15.3.
Variant type: single nucleotide variant.
Coding change: c.9783G>C on transcript NM_001277115.2 (MANE Select); coding-DNA position 9783, G replaced by C.
Protein change: p.Glu3261Asp; replaces glutamic acid 3261 with aspartic acid.
Molecular consequence: missense variant.
Genome position (GRCh38, 1-based): chr7:21,787,442, G>C. VCF-style: chr7-21787442-G-C. GRCh37 (hg19) VCF-style: chr7-21827060-G-C.
Other names: p.Glu3261Asp; short protein forms E3261D.
Identifiers: ClinVar variation 238946 (VCV000238946.35), dbSNP rs201944089, ClinGen allele CA4182114.